The following is an entry in ClinVar:

NM_002474.3(MYH11):c.1527C>T (p.Ile509=)

Gene: MYH11 (myosin heavy chain 11; minus strand). Cytogenetic location: 16p13.11.
Variant type: single nucleotide variant.
Coding change: c.1527C>T on transcript NM_002474.3 (MANE Select); coding-DNA position 1527, C replaced by T.
Protein change: p.Ile509=; no amino-acid change (isoleucine 509 retained).
Molecular consequence: synonymous variant.
Genome position (GRCh38, 1-based): chr16:15,757,875, G>A on the plus strand (C>T on the coding strand, the complement: MYH11 is on the minus strand). VCF-style: chr16-15757875-G-A. GRCh37 (hg19) VCF-style: chr16-15851732-G-A.
Other names: c.1548C>T, p.Ile516= (NM_001040113.2, NM_001040114.2); c.1527C>T, p.Ile509= (NM_022844.3).
Identifiers: ClinVar variation 388796 (VCV000388796.39), dbSNP rs564612796, ClinGen allele CA7922594.
Genomic context (GRCh38, chr16:15,757,875, plus strand): 5'-CGTGCCCCTCACCGGTCGCTCGATGAGCTCGATGCAGGGCTGTAGGTCCAGCCCAAAGTC[G>A]ATGAAGTTCCACTCGATGCCCTCGCGCTGGTACTCCTCCTGCTCCAGGATGAACATGGTG-3'
Protein context (NP_002465.1, residues 499-519): YQREGIEWNF[Ile509=]DFGLDLQPCI

ClinVar aggregate classification (germline): Likely benign. Review status: criteria provided, multiple submitters, no conflicts (2 of 4 stars). 7 submissions from 7 submitters: Likely benign (7). Last evaluated 2026-01-05.

Conditions:
Familial thoracic aortic aneurysm and aortic dissection (TAAD). Also called: Thoracic aortic aneurysms and dissections. Identifiers: Orphanet 91387, MedGen C4707243, MONDO:0019625.
Aortic aneurysm, familial thoracic 4 (AAT4). Also called: AORTIC ANEURYSM/AORTIC DISSECTION AND PATENT DUCTUS ARTERIOSUS. Identifiers: MedGen C1851504, MONDO:0007568, OMIM 132900.

Allele frequency attached by ClinVar (database versions not stated): gnomAD exomes 0.00001 and 0.00003; ExAC 0.00002; gnomAD 0.00004 and 0.00005; TOPMed 0.00006; 1000 Genomes Project 30x 0.00031; 1000 Genomes Project 0.00040.
gnomAD v4.1: 23 of 1,614,202 alleles (0.0014%); highest among the groups gnomAD compares: Admixed American, 0.022%; no homozygotes.

Submissions (7):

Labcorp Genetics (formerly Invitae), Labcorp
Classification: Likely benign for Aortic aneurysm, familial thoracic 4. Last evaluated: 2026-01-05. Review status: criteria provided, single submitter. Criteria: Invitae Variant Classification Sherloc (09022015). Collection method: clinical testing. Allele origin: germline.

CeGaT Center for Human Genetics Tuebingen
Classification: Likely benign. Last evaluated: 2024-06-01. Review status: criteria provided, single submitter. Criteria: CeGaT Center For Human Genetics Tuebingen Variant Classification Criteria Version 2. Collection method: clinical testing. Allele origin: germline. Affected: yes. Observed: 1 variant allele.
Comment: MYH11: BP4, BP7

Blueprint Genetics
Classification: Likely benign. Last evaluated: 2024-03-19. Review status: criteria provided, single submitter. Criteria: ACMG Guidelines, 2015. Collection method: clinical testing. Allele origin: germline.

All of Us Research Program, National Institutes of Health
Classification: Likely benign for Familial thoracic aortic aneurysm and aortic dissection. Last evaluated: 2023-12-18. Review status: criteria provided, single submitter. Criteria: ACMG Guidelines, 2015. Collection method: clinical testing. Allele origin: germline. Inheritance: Autosomal dominant inheritance. Observed: 10 variant alleles, 10 heterozygotes.
Comment: This study involves interpretation of variants in research participants for the purpose of population health screening. Participant phenotype was not available at the time of variant classification. Additional details can be found in publication PMID: 35346344, PMCID: PMC8962531

GeneDx
Classification: Likely benign. Last evaluated: 2020-06-01. Review status: criteria provided, single submitter. Criteria: GeneDx Variant Classification Process June 2021. Collection method: clinical testing. Allele origin: germline. Affected: yes.

Color Diagnostics, LLC DBA Color Health
Classification: Likely benign for Familial thoracic aortic aneurysm and aortic dissection. Last evaluated: 2019-05-13. Review status: criteria provided, single submitter. Criteria: ACMG Guidelines, 2015. Collection method: clinical testing. Allele origin: germline.

Ambry Genetics
Classification: Likely benign for Familial thoracic aortic aneurysm and aortic dissection. Last evaluated: 2017-12-12. Review status: criteria provided, single submitter. Criteria: Ambry Variant Classification Scheme 2023. Collection method: clinical testing. Allele origin: germline.